The following is an entry in ClinVar:

ClinVar aggregate classification (germline): Likely benign. Review status: criteria provided, multiple submitters, no conflicts (2 of 4 stars). 6 submissions from 5 submitters: Likely benign (6). Last evaluated 2026-04-30.

Conditions:
ATR-related disorder. Also called: ATR-related condition.
Inborn genetic diseases. Identifiers: MedGen C0950123, MeSH D030342.
Seckel syndrome 1 (SCKL1). Also called: MICROCEPHALIC PRIMORDIAL DWARFISM I. Identifiers: Orphanet 808, MedGen C4551474, MONDO:0008869, OMIM 210600.
Familial cutaneous telangiectasia and oropharyngeal predisposition cancer syndrome. Identifiers: Orphanet 313846, MedGen C3281203, MONDO:0013806, OMIM 614564.

Allele frequency attached by ClinVar (database versions not stated): gnomAD exomes below 0.00001 and 0.00001; ExAC 0.00001; gnomAD 0.00002; TOPMed 0.00002.
gnomAD v4.1: 19 of 1,612,994 alleles (0.0012%); highest among the groups gnomAD compares: East Asian, 0.013%; 1 homozygote.

Submissions (6):

PreventionGenetics, part of Exact Sciences
Classification: Likely benign for ATR-related condition. Last evaluated: 2026-04-30. Review status: criteria provided, single submitter. Criteria: ACMG Guidelines, 2015. Collection method: clinical testing. Allele origin: germline.
Comment: This variant is classified as likely benign based on ACMG/AMP sequence variant interpretation guidelines (Richards et al. 2015 PMID: 25741868, with internal and published modifications).

Labcorp Genetics (formerly Invitae), Labcorp
Classification: Likely benign. Last evaluated: 2025-08-10. Review status: criteria provided, single submitter. Criteria: Invitae Variant Classification Sherloc (09022015). Collection method: clinical testing. Allele origin: germline.

Blueprint Genetics
Classification: Likely benign. Last evaluated: 2024-03-05. Review status: criteria provided, single submitter. Criteria: ACMG Guidelines, 2015. Collection method: clinical testing. Allele origin: germline.

Genome-Nilou Lab
Classification: Likely benign for Seckel syndrome 1. Last evaluated: 2023-02-08. Review status: criteria provided, single submitter. Criteria: ACMG Guidelines, 2015. Collection method: clinical testing. Allele origin: germline.

Genome-Nilou Lab
Classification: Likely benign for Familial cutaneous telangiectasia and oropharyngeal predisposition cancer syndrome. Last evaluated: 2023-02-08. Review status: criteria provided, single submitter. Criteria: ACMG Guidelines, 2015. Collection method: clinical testing. Allele origin: germline.

Ambry Genetics
Classification: Likely benign for Inborn genetic diseases. Last evaluated: 2022-02-12. Review status: criteria provided, single submitter. Criteria: Ambry Variant Classification Scheme 2023. Collection method: clinical testing. Allele origin: germline.

NM_001184.4(ATR):c.4575C>T (p.Thr1525=)

Gene: ATR (ATR checkpoint kinase; minus strand). Cytogenetic location: 3q23.
Variant type: single nucleotide variant.
Coding change: c.4575C>T on transcript NM_001184.4 (MANE Select); coding-DNA position 4575, C replaced by T.
Protein change: p.Thr1525=; no amino-acid change (threonine 1525 retained).
Molecular consequence: synonymous variant.
Genome position (GRCh38, 1-based): chr3:142,513,567, G>A on the plus strand (C>T on the coding strand, the complement: ATR is on the minus strand). VCF-style: chr3-142513567-G-A. GRCh37 (hg19) VCF-style: chr3-142232409-G-A.
Other names: c.4383C>T, p.Thr1461= (NM_001354579.2).
Identifiers: ClinVar variation 698644 (VCV000698644.15), dbSNP rs776809771, ClinGen allele CA2649817.